The following is an entry in ClinVar:

ClinVar aggregate classification (germline): Pathogenic. Review status: criteria provided, multiple submitters, no conflicts (2 of 4 stars). 2 submissions from 2 submitters: Pathogenic (2). Last evaluated 2023-04-28.

Conditions:
Mucopolysaccharidosis type 1. Also called: Mucopolysaccharidosis Type I; IDUA deficiency; MPS I. Identifiers: Orphanet 579, MedGen C0023786, MONDO:0001586.

Submissions (2):

Labcorp Genetics (formerly Invitae), Labcorp
Classification: Pathogenic for Mucopolysaccharidosis type 1. Last evaluated: 2023-04-28. Review status: criteria provided, single submitter. Criteria: Invitae Variant Classification Sherloc (09022015). Collection method: clinical testing. Allele origin: germline.
Comment: For these reasons, this variant has been classified as Pathogenic. This variant disrupts a region of the IDUA protein in which other variant(s) (p.Trp626*) have been determined to be pathogenic (PMID: 21462124, 28752568). This suggests that this is a clinically significant region of the protein, and that variants that disrupt it are likely to be disease-causing. Algorithms developed to predict the effect of sequence changes on RNA splicing suggest that this variant may disrupt the consensus splice site. ClinVar contains an entry for this variant (Variation ID: 937409). This variant has not been reported in the literature in individuals affected with IDUA-related conditions. This variant is not present in population databases (gnomAD no frequency). This sequence change creates a premature translational stop signal (p.Gly589Valfs*) in the IDUA gene. While this is not anticipated to result in nonsense mediated decay, it is expected to disrupt the last 65 amino acid(s) of the IDUA protein.

Revvity Omics, Revvity
Classification: Pathogenic. Last evaluated: 2019-10-01. Review status: criteria provided, single submitter. Criteria: ACMG Guidelines, 2015. Collection method: clinical testing. Allele origin: germline.

Literature cited by the submitters: PubMed 21462124 (cited by Labcorp Genetics (formerly Invitae), Labcorp); PubMed 28752568 (cited by Labcorp Genetics (formerly Invitae), Labcorp).

NM_000203.5(IDUA):c.1766del (p.Gly589fs)

Gene: IDUA (alpha-L-iduronidase; plus strand). Cytogenetic location: 4p16.3.
Variant type: Deletion.
Coding change: c.1766del on transcript NM_000203.5 (MANE Select); coding-DNA position 1766, one base deleted (G; older notation c.1766delG).
Protein change: p.Gly589fs; shifts the reading frame from glycine 589.
Molecular consequence: frameshift variant. On other transcripts: non-coding transcript variant (1).
Genome position (GRCh38, 1-based): chr4:1,004,050, G deleted; the last of 2 consecutive G bases (chr4:1,004,049-1,004,050); deleting either gives the same sequence. VCF-style (leftmost placement, unchanged base first): chr4-1004048-CG-C. GRCh37 (hg19) VCF-style: chr4-997836-CG-C.
Other names: c.1370del, p.Gly457fs (NM_001363576.1); short protein forms G457fs, G589fs.
Identifiers: ClinVar variation 937409 (VCV000937409.11), dbSNP rs1715293163, ClinGen allele CA1139658408.
Genomic context (GRCh38, chr4:1,004,048, plus strand): 5'-TTGTTCTTGGCCTGACCTCCCCAGGTGCCTGTGGACATACGAGATCCAGTTCTCTCAGGA[CG>C]GTAAGGCGTACACCCCGGTCAGCAGGAAGCCATCGACCTTCAACCTCTTTGTGTTCAGCC-3'